The following is an entry in ClinVar:

ClinVar aggregate classification (germline): Uncertain significance. Review status: criteria provided, multiple submitters, no conflicts (2 of 4 stars). 3 submissions from 3 submitters: Uncertain significance (3). Last evaluated 2025-12-08.

Conditions:
CREBBP-related disorder. Also called: CREBBP-related condition; CREBBP-related disorders.
Inborn genetic diseases. Identifiers: MedGen C0950123, MeSH D030342.

Allele frequency attached by ClinVar (database versions not stated): ExAC 0.00001; gnomAD exomes 0.00001.
gnomAD v4.1: 3 of 1,608,208 alleles (0.00019%); highest among the groups gnomAD compares: Admixed American, 0.005%; no homozygotes.

Submissions (3):

PreventionGenetics, part of Exact Sciences
Classification: Uncertain significance for CREBBP-related condition. Last evaluated: 2025-12-08. Review status: criteria provided, single submitter. Criteria: ACMG Guidelines, 2015. Collection method: clinical testing. Allele origin: germline.
Comment: The CREBBP c.6145G>C variant is predicted to result in the amino acid substitution p.Ala2049Pro. To our knowledge, this variant has not been reported in the literature. This variant is reported in 0.0088% of alleles in individuals of Latino descent in gnomAD. At this time, the clinical significance of this variant is uncertain due to the absence of conclusive functional and genetic evidence.

Women's Health and Genetics/Laboratory Corporation of America, LabCorp
Classification: Uncertain significance. Last evaluated: 2024-07-11. Review status: criteria provided, single submitter. Criteria: LabCorp Variant Classification Summary - May 2015. Collection method: clinical testing. Allele origin: germline.
Comment: Variant summary: CREBBP c.6145G>C (p.Ala2049Pro) results in a non-conservative amino acid change located in the Nuclear receptor coactivator, CREB-bp-like, interlocking domain (IPR014744) of the encoded protein sequence. Three of five in-silico tools predict a damaging effect of the variant on protein function. The variant allele was found at a frequency of 1.3e-05 in 236552 control chromosomes. The available data on variant occurrences in the general population are insufficient to allow any conclusion about variant significance. To our knowledge, no occurrence of c.6145G>C in individuals affected with Rubinstein-Taybi Syndrome and no experimental evidence demonstrating its impact on protein function have been reported. ClinVar contains an entry for this variant (Variation ID: 3077353). Based on the evidence outlined above, the variant was classified as uncertain significance.

Ambry Genetics
Classification: Uncertain significance for Inborn genetic diseases. Last evaluated: 2024-01-23. Review status: criteria provided, single submitter. Criteria: Ambry Variant Classification Scheme 2023. Collection method: clinical testing. Allele origin: germline.

NM_004380.3(CREBBP):c.6145G>C (p.Ala2049Pro)

Gene: CREBBP (CREB binding lysine acetyltransferase; minus strand). Cytogenetic location: 16p13.3.
Variant type: single nucleotide variant.
Coding change: c.6145G>C on transcript NM_004380.3 (MANE Select); coding-DNA position 6145, G replaced by C.
Protein change: p.Ala2049Pro; replaces alanine 2049 with proline.
Molecular consequence: missense variant.
Genome position (GRCh38, 1-based): chr16:3,728,902, C>G on the plus strand (G>C on the coding strand, the complement: CREBBP is on the minus strand). VCF-style: chr16-3728902-C-G. GRCh37 (hg19) VCF-style: chr16-3778903-C-G.
Other names: c.6031G>C, p.Ala2011Pro (NM_001079846.1); short protein forms A2049P, A2011P.
Identifiers: ClinVar variation 3077353 (VCV003077353.3), dbSNP rs758931614, ClinGen allele CA7869171.
Genomic context (GRCh38, chr16:3,728,902, plus strand): 5'-CTTGCAGAGCGCTGGGTGAGATGCTCCTGGGTGGCTGCACGCTGGGCATCCGGGGCCCAG[C>G]CACGGCCGCCTGGGCCTGCATGGATATCACAGGCCTGGGCAAGCCTGGCATGGGCTGCTG-3'
Protein context (NP_004371.2, residues 2039-2059): VISMQAQAAV[Ala2049Pro]GPRMPSVQPP